The following is an entry in ClinVar:

NM_004064.5(CDKN1B):c.464C>G (p.Pro155Arg)

Gene: CDKN1B (cyclin dependent kinase inhibitor 1B; plus strand). Cytogenetic location: 12p13.1.
Variant type: single nucleotide variant.
Coding change: c.464C>G on transcript NM_004064.5 (MANE Select); coding-DNA position 464, C replaced by G.
Protein change: p.Pro155Arg; replaces proline 155 with arginine.
Molecular consequence: missense variant.
Genome position (GRCh38, 1-based): chr12:12,718,303, C>G. VCF-style: chr12-12718303-C-G. GRCh37 (hg19) VCF-style: chr12-12871237-C-G.
Other names: c.464C>G (NM_004064.3); short protein forms P155R.
Identifiers: ClinVar variation 577071 (VCV000577071.21), dbSNP rs143879243, ClinGen allele CA6457505.

ClinVar aggregate classification (germline): Conflicting classifications of pathogenicity. Review status: criteria provided, conflicting classifications (1 of 4 stars). 6 submissions from 6 submitters: Uncertain significance (5); Likely benign (1). Last evaluated 2026-01-19.

Conditions:
Multiple endocrine neoplasia type 4. Also called: MULTIPLE ENDOCRINE NEOPLASIA, TYPE IV. Identifiers: Orphanet 276152, MedGen C1970712, MONDO:0012552, OMIM 610755.
Hereditary cancer-predisposing syndrome. Also called: Neoplastic Syndromes, Hereditary; Hereditary Cancer Syndrome; Hereditary neoplastic syndrome; Tumor predisposition. Identifiers: Orphanet 140162, MedGen C0027672, MeSH D009386, MONDO:0015356.

Allele frequency attached by ClinVar (database versions not stated): gnomAD 0.00003; ESP Exome Variant Server 0.00008; TOPMed 0.00003.
gnomAD v4.1: 31 of 1,601,858 alleles (0.0019%); highest among the groups gnomAD compares: East Asian, 0.0045%; no homozygotes.

Submissions (6):

Labcorp Genetics (formerly Invitae), Labcorp
Classification: Uncertain significance for Multiple endocrine neoplasia type 4. Last evaluated: 2026-01-19. Review status: criteria provided, single submitter. Criteria: Invitae Variant Classification Sherloc (09022015). Collection method: clinical testing. Allele origin: germline.
Comment: This sequence change replaces proline, which is neutral and non-polar, with arginine, which is basic and polar, at codon 155 of the CDKN1B protein (p.Pro155Arg). This variant is present in population databases (rs143879243, gnomAD 0.01%). This variant has not been reported in the literature in individuals affected with CDKN1B-related conditions. ClinVar contains an entry for this variant (Variation ID: 577071). An algorithm developed to predict the effect of missense changes on protein structure and function (PolyPhen-2) suggests that this variant is likely to be disruptive. In summary, the available evidence is currently insufficient to determine the role of this variant in disease. Therefore, it has been classified as a Variant of Uncertain Significance.

Dasa
Classification: Uncertain significance. Last evaluated: 2025-06-10. Review status: criteria provided, single submitter. Criteria: DASA Assertion Criteria. Collection method: clinical testing. Allele origin: germline.
Comment: NM_004064.5(CDKN1B):c.464C>G (p.Pro155Arg) is a missense variant that results in the substitution of proline with arginine. This variant is rare in population databases. Computational prediction algorithms are consistent with a benign effect. The currently available literature and clinical evidence are not sufficient to establish a definitive association between this variant and the reported condition. Therefore, this variant is classified as a variant of uncertain significance.

GeneDx
Classification: Uncertain significance. Last evaluated: 2024-11-12. Review status: criteria provided, single submitter. Criteria: GeneDx Variant Classification Process June 2021. Collection method: clinical testing. Allele origin: germline. Affected: yes.
Comment: In silico analysis supports that this missense variant has a deleterious effect on protein structure/function; Has not been previously published as pathogenic or benign to our knowledge

Fulgent Genetics
Classification: Uncertain significance for Multiple endocrine neoplasia type 4. Last evaluated: 2024-04-30. Review status: criteria provided, single submitter. Criteria: ACMG Guidelines, 2015. Collection method: clinical testing. Allele origin: germline.

Ambry Genetics
Classification: Likely benign for Hereditary cancer-predisposing syndrome. Last evaluated: 2022-05-26. Review status: criteria provided, single submitter. Criteria: Ambry Variant Classification Scheme 2023. Collection method: clinical testing. Allele origin: germline.

Institute for Clinical Genetics, University Hospital TU Dresden, University Hospital TU Dresden
Classification: Uncertain significance. Last evaluated: 2021-11-03. Review status: criteria provided, single submitter. Criteria: ACMG Guidelines, 2015. Collection method: clinical testing. Allele origin: germline.